The following is an entry in ClinVar:

NM_000264.5(PTCH1):c.3633C>T (p.Pro1211=)

Gene: PTCH1 (patched 1; minus strand). Cytogenetic location: 9q22.32.
Variant type: single nucleotide variant.
Coding change: c.3633C>T on transcript NM_000264.5 (MANE Select); coding-DNA position 3633, C replaced by T.
Protein change: p.Pro1211=; no amino-acid change (proline 1211 retained).
Molecular consequence: synonymous variant. On other transcripts: non-coding transcript variant (1).
Genome position (GRCh38, 1-based): chr9:95,449,240, G>A on the plus strand (C>T on the coding strand, the complement: PTCH1 is on the minus strand). VCF-style: chr9-95449240-G-A. GRCh37 (hg19) VCF-style: chr9-98211522-G-A.
Other names: c.3435C>T, p.Pro1145= (NM_001083602.3); c.3630C>T, p.Pro1210= (NM_001083603.3); c.3180C>T, p.Pro1060= (NM_001083604.3, NM_001083605.3, NM_001083606.3 and 1 more transcripts); c.3477C>T, p.Pro1159= (NM_001354918.2).
Identifiers: ClinVar variation 237483 (VCV000237483.43), dbSNP rs56007343, ClinGen allele CA5138099.

ClinVar aggregate classification (germline): Likely benign. Review status: criteria provided, multiple submitters, no conflicts (2 of 4 stars). 5 submissions from 5 submitters: Likely benign (4). 1 of the submissions does not count toward it. Last evaluated 2026-02-03.

Conditions:
Hereditary cancer-predisposing syndrome. Also called: Tumor predisposition; Hereditary Cancer Syndrome; Neoplastic Syndromes, Hereditary; Hereditary neoplastic syndrome. Identifiers: Orphanet 140162, MedGen C0027672, MeSH D009386, MONDO:0015356.
Gorlin syndrome. Also called: Nevoid Basal Cell Carcinoma Syndrome; Basal cell nevus syndrome. Identifiers: Orphanet 377, MedGen C0004779, MONDO:0007187.
PTCH1-related disorder. Also called: PTCH1-related disorders; PTCH1-related condition.

Allele frequency attached by ClinVar (database versions not stated): TOPMed 0.00006; 1000 Genomes Project 30x 0.00031.
gnomAD v4.1: 170 of 1,583,218 alleles (0.011%); highest among the groups gnomAD compares: East Asian, 0.34%; 1 homozygote.

Submissions (5):

Labcorp Genetics (formerly Invitae), Labcorp
Classification: Likely benign for Gorlin syndrome. Last evaluated: 2026-02-03. Review status: criteria provided, single submitter. Criteria: Invitae Variant Classification Sherloc (09022015). Collection method: clinical testing. Allele origin: germline.

Ambry Genetics
Classification: Likely benign for Hereditary cancer-predisposing syndrome. Last evaluated: 2024-03-18. Review status: criteria provided, single submitter. Criteria: Ambry Variant Classification Scheme 2023. Collection method: clinical testing. Allele origin: germline.

CeGaT Center for Human Genetics Tuebingen
Classification: Likely benign. Last evaluated: 2023-08-01. Review status: criteria provided, single submitter. Criteria: CeGaT Center For Human Genetics Tuebingen Variant Classification Criteria Version 2. Collection method: clinical testing. Allele origin: germline. Affected: yes. Observed: 1 variant allele.
Comment: PTCH1: BP4, BP7

Sema4
Classification: Likely benign for Hereditary cancer-predisposing syndrome. Last evaluated: 2021-01-29. Review status: criteria provided, single submitter. Criteria: Sema4 Curation Guidelines. Collection method: curation. Allele origin: germline.

PreventionGenetics, part of Exact Sciences
Classification: Likely benign for PTCH1-related condition. Last evaluated: 2022-04-08. Review status: no assertion criteria provided. Collection method: clinical testing. Allele origin: germline. Not counted in ClinVar's aggregate classification.
Comment: This variant is classified as likely benign based on ACMG/AMP sequence variant interpretation guidelines (Richards et al. 2015 PMID: 25741868, with internal and published modifications).